The following is an entry in ClinVar:

ClinVar aggregate classification (germline): Conflicting classifications of pathogenicity. Review status: criteria provided, conflicting classifications (1 of 4 stars). 2 submissions from 2 submitters: Uncertain significance (1); Likely benign (1). Last evaluated 2026-08-01.

Allele frequency attached by ClinVar (database versions not stated): gnomAD 0.00003 and 0.00001; TOPMed 0.00006; 1000 Genomes Project 30x 0.00031; gnomAD exomes 0.00002.
gnomAD v4.1: 26 of 1,180,600 alleles (0.0022%); highest among the groups gnomAD compares: South Asian, 0.043%; 1 homozygote.

Submissions (2):

CeGaT Center for Human Genetics Tuebingen
Classification: Likely benign. Last evaluated: 2026-08-01. Review status: criteria provided, single submitter. Criteria: CeGaT Center For Human Genetics Tuebingen Variant Classification Criteria Version 2. Collection method: clinical testing. Allele origin: germline. Affected: yes. Observed: 1 variant allele.
Comment: KCNC3: PP3, BS1

Labcorp Genetics (formerly Invitae), Labcorp
Classification: Uncertain significance. Last evaluated: 2025-08-12. Review status: criteria provided, single submitter. Criteria: Invitae Variant Classification Sherloc (09022015). Collection method: clinical testing. Allele origin: germline.
Comment: This sequence change replaces leucine, which is neutral and non-polar, with histidine, which is basic and polar, at codon 242 of the KCNC3 protein (p.Leu242His). The frequency data for this variant in the population databases is considered unreliable, as metrics indicate poor data quality at this position in the gnomAD database. This variant has not been reported in the literature in individuals affected with KCNC3-related conditions. ClinVar contains an entry for this variant (Variation ID: 1501077). Invitae Evidence Modeling of protein sequence and biophysical properties (such as structural, functional, and spatial information, amino acid conservation, physicochemical variation, residue mobility, and thermodynamic stability) indicates that this missense variant is not expected to disrupt KCNC3 protein function with a negative predictive value of 95%. In summary, the available evidence is currently insufficient to determine the role of this variant in disease. Therefore, it has been classified as a Variant of Uncertain Significance.

NM_004977.3(KCNC3):c.725T>A (p.Leu242His)

Gene: KCNC3 (potassium voltage-gated channel subfamily C member 3; minus strand). Cytogenetic location: 19q13.33.
Variant type: single nucleotide variant.
Coding change: c.725T>A on transcript NM_004977.3 (MANE Select); coding-DNA position 725, T replaced by A.
Protein change: p.Leu242His; replaces leucine 242 with histidine.
Molecular consequence: missense variant.
Genome position (GRCh38, 1-based): chr19:50,328,358, A>T on the plus strand (T>A on the coding strand, the complement: KCNC3 is on the minus strand). VCF-style: chr19-50328358-A-T. GRCh37 (hg19) VCF-style: chr19-50831615-A-T.
Other names: c.497T>A, p.Leu166His (NM_001372305.1); short protein forms L166H, L242H.
Identifiers: ClinVar variation 1501077 (VCV001501077.7), dbSNP rs986287142, ClinGen allele CA309575861.
Genomic context (GRCh38, chr19:50,328,358, plus strand): 5'-CCCGCGCCCCCTGGCGGCCCCCCGGCGCCGCCGCCCGCGTCCTGGAAGCAGAGGCGCTTG[A>T]GCTCGCCGCCCGCTCCGTCCAGGCCGCCGCCGCCCGCGCCCGCCTCGTCGTCCAGGCCTC-3'
Protein context (NP_004968.2, residues 232-252): GGGLDGAGGE[Leu242His]KRLCFQDAGG